The following is an entry in ClinVar:

ClinVar aggregate classification (germline): Conflicting classifications of pathogenicity. Review status: criteria provided, conflicting classifications (1 of 4 stars). 7 submissions from 7 submitters: Uncertain significance (1); Benign (1); Likely benign (4). 1 of the submissions does not count toward it. Last evaluated 2026-01-26.

Conditions:
Aortic aneurysm, familial thoracic 7 (AAT7). Also called: AORTIC DISSECTION, FAMILIAL, WITH OR WITHOUT AORTIC ANEURYSM. Identifiers: MedGen C3151077, MONDO:0013418, OMIM 613780.
Familial thoracic aortic aneurysm and aortic dissection (TAAD). Also called: Thoracic aortic aneurysms and dissections. Identifiers: Orphanet 91387, MedGen C4707243, MONDO:0019625.
MYLK-related disorder. Also called: MYLK-related condition.

Allele frequency attached by ClinVar (database versions not stated): 1000 Genomes Project 30x 0.00047; 1000 Genomes Project 0.00060.
gnomAD v4.1: 210 of 1,614,208 alleles (0.013%); highest among the groups gnomAD compares: South Asian, 0.22%; 3 homozygotes.

Submissions (7):

Labcorp Genetics (formerly Invitae), Labcorp
Classification: Likely benign for Aortic aneurysm, familial thoracic 7. Last evaluated: 2026-01-26. Review status: criteria provided, single submitter. Criteria: Invitae Variant Classification Sherloc (09022015). Collection method: clinical testing. Allele origin: germline.

Mayo Clinic Laboratories, Mayo Clinic
Classification: Likely benign. Last evaluated: 2025-03-19. Review status: criteria provided, single submitter. Criteria: ACMG Guidelines, 2015. Collection method: clinical testing. Allele origin: germline. Observed: 1 variant allele.
Comment: BS1, BP4, BP7

Women's Health and Genetics/Laboratory Corporation of America, LabCorp
Classification: Benign. Last evaluated: 2020-10-19. Review status: criteria provided, single submitter. Criteria: LabCorp Variant Classification Summary - May 2015. Collection method: clinical testing. Allele origin: germline.

Ambry Genetics
Classification: Likely benign for Familial thoracic aortic aneurysm and aortic dissection. Last evaluated: 2020-07-28. Review status: criteria provided, single submitter. Criteria: Ambry Variant Classification Scheme 2023. Collection method: clinical testing. Allele origin: germline.

Illumina Laboratory Services, Illumina
Classification: Uncertain significance for Aortic aneurysm, familial thoracic 7. Last evaluated: 2018-01-12. Review status: criteria provided, single submitter. Criteria: ICSL Variant Classification Criteria 13 December 2019. Collection method: clinical testing. Allele origin: germline.

GeneDx
Classification: Likely benign. Last evaluated: 2017-02-09. Review status: criteria provided, single submitter. Criteria: GeneDx Variant Classification (06012015). Collection method: clinical testing. Allele origin: germline. Affected: yes.
Comment: This variant is considered likely benign or benign based on one or more of the following criteria: it is a conservative change, it occurs at a poorly conserved position in the protein, it is predicted to be benign by multiple in silico algorithms, and/or has population frequency not consistent with disease.

PreventionGenetics, part of Exact Sciences
Classification: Likely benign for MYLK-related condition. Last evaluated: 2024-09-01. Review status: no assertion criteria provided. Collection method: clinical testing. Allele origin: germline. Not counted in ClinVar's aggregate classification.
Comment: This variant is classified as likely benign based on ACMG/AMP sequence variant interpretation guidelines (Richards et al. 2015 PMID: 25741868, with internal and published modifications).

NM_053025.4(MYLK):c.999G>T (p.Pro333=)

Gene: MYLK (myosin light chain kinase; minus strand). Cytogenetic location: 3q21.1.
Variant type: single nucleotide variant.
Coding change: c.999G>T on transcript NM_053025.4 (MANE Select); coding-DNA position 999, G replaced by T.
Protein change: p.Pro333=; no amino-acid change (proline 333 retained).
Molecular consequence: synonymous variant.
Genome position (GRCh38, 1-based): chr3:123,733,997, C>A on the plus strand (G>T on the coding strand, the complement: MYLK is on the minus strand). VCF-style: chr3-123733997-C-A. GRCh37 (hg19) VCF-style: chr3-123452844-C-A.
Other names: p.Pro333=; c.471G>T, p.Pro157= (NM_001321309.2); c.999G>T, p.Pro333= (NM_053026.4, NM_053027.4, NM_053028.4).
Identifiers: ClinVar variation 507381 (VCV000507381.19), dbSNP rs13319347, ClinGen allele CA073835.
Genomic context (GRCh38, chr3:123,733,997, plus strand): 5'-CTGAACTCTTGCGGCCTGCAGGGTGATGGAGCTGGAAGTCTTCTGAAGGACCGGGGTCTG[C>A]GGGGCCGTTCTGGGCGAGTCCTTGCATGACTCCAGCTTGGACTCCCTTGGGGGCTGAGGC-3'
Protein context (NP_444253.3, residues 323-343): ESCKDSPRTA[Pro333=]QTPVLQKTSS